The following is an entry in ClinVar:

NM_001394062.1(MACF1):c.15781G>A (p.Val5261Met)

Gene: MACF1 (microtubule actin crosslinking factor 1; plus strand). Cytogenetic location: 1p34.3.
Variant type: single nucleotide variant.
Coding change: c.15781G>A on transcript NM_001394062.1 (MANE Select); coding-DNA position 15781, G replaced by A.
Protein change: p.Val5261Met; replaces valine 5261 with methionine.
Molecular consequence: missense variant.
Genome position (GRCh38, 1-based): chr1:39,388,623, G>A. VCF-style: chr1-39388623-G-A. GRCh37 (hg19) VCF-style: chr1-39854295-G-A.
Other names: c.9595G>A, p.Val3199Met (NM_012090.5); short protein forms V3199M, V5261M.
Identifiers: ClinVar variation 2430685 (VCV002430685.1), dbSNP rs1641891460, ClinGen allele CA339748096.

ClinVar aggregate classification (germline): Uncertain significance (1 of 4 stars; one submission).

Allele frequency attached by ClinVar (database versions not stated): gnomAD exomes below 0.00001.
gnomAD v4.1: 2 of 1,584,408 alleles (0.00013%); highest among the groups gnomAD compares: East Asian, 0.0045%; no homozygotes.

Submission:

GeneDx
Classification: Uncertain significance. Last evaluated: 2022-08-17. Review status: criteria provided, single submitter. Criteria: GeneDx Variant Classification Process June 2021. Collection method: clinical testing. Allele origin: germline. Affected: yes.
Comment: Not observed at significant frequency in large population cohorts (gnomAD); In silico analysis supports that this missense variant does not alter protein structure/function; Has not been previously published as pathogenic or benign to our knowledge